The following is an entry in ClinVar:

ClinVar aggregate classification (germline): Pathogenic/Likely pathogenic. Review status: criteria provided, multiple submitters, no conflicts (2 of 4 stars). 2 submissions from 2 submitters: Pathogenic (1); Likely pathogenic (1). Last evaluated 2026-04-23.

Conditions:
Familial cancer of breast. Also called: BREAST CANCER, FAMILIAL; Hereditary breast cancer; hereditary breast carcinoma. Identifiers: Orphanet 227535, MedGen C0346153, MONDO:0016419, OMIM 114480. Disease mechanism: loss of function.

Submissions (2):

Myriad Genetics, Inc.
Classification: Pathogenic for Familial cancer of breast. Last evaluated: 2026-04-23. Review status: criteria provided, single submitter. Criteria: Myriad Autosomal Dominant, Autosomal Recessive and X-Linked Classification Criteria (2023). Collection method: clinical testing. Allele origin: unknown.
Comment: This variant is considered pathogenic. This variant creates a frameshift predicted to result in premature protein truncation.

Baylor Genetics
Classification: Likely pathogenic for Familial cancer of breast. Last evaluated: 2021-08-01. Review status: criteria provided, single submitter. Criteria: ACMG Guidelines, 2015. Collection method: clinical testing. Allele origin: unknown.

NM_000465.4(BARD1):c.1000_1001insC (p.Lys334fs)

Gene: BARD1 (BRCA1 associated RING domain 1; minus strand). Cytogenetic location: 2q35.
Variant type: Insertion.
Coding change: c.1000_1001insC on transcript NM_000465.4 (MANE Select); coding-DNA positions 1000 to 1001, C inserted.
Protein change: p.Lys334fs; shifts the reading frame from lysine 334.
Molecular consequence: frameshift variant. On other transcripts: non-coding transcript variant (2), intron variant (3).
Genome position: GRCh38 VCF-style: chr2-214780873-T-TG. GRCh37 (hg19) VCF-style: chr2-215645597-T-TG.
Other names: c.943_944insC, p.Lys315fs (NM_001282543.2); c.159-28319_159-28318insC (NM_001282548.2); c.215+16187_215+16188insC (NM_001282545.2); c.364+11423_364+11424insC (NM_001282549.2); short protein forms K315fs, K334fs.
Identifiers: ClinVar variation 2679944 (VCV002679944.2), dbSNP rs2469505467, ClinGen allele CA2695197115.